The following is an entry in ClinVar:

ClinVar aggregate classification (germline): Likely pathogenic (1 of 4 stars; one submission).

Conditions:
Hereditary cancer-predisposing syndrome. Also called: Neoplastic Syndromes, Hereditary; Tumor predisposition; Hereditary Cancer Syndrome; Hereditary neoplastic syndrome. Identifiers: Orphanet 140162, MedGen C0027672, MeSH D009386, MONDO:0015356.

Submission:

Ambry Genetics
Classification: Likely pathogenic for Hereditary cancer-predisposing syndrome. Last evaluated: 2025-02-21. Review status: criteria provided, single submitter. Criteria: Ambry Variant Classification Scheme 2023. Collection method: clinical testing. Allele origin: germline.
Comment: The c.6348-986G>T intronic variant results from a G to T substitution 986 nucleotides upstream from coding exon 43 in the ATM gene. This nucleotide position is highly conserved in available vertebrate species. This variant has been identified in the conjunction with other ATM variant(s) in an individual with features consistent with ataxia telangiectasia (Kim J et al. Nature, 2023 Jul;619:828-836). In silico splice site analysis predicts that this alteration will result in the creation or strengthening of a novel splice donor site. RNA studies have demonstrated that this alteration results in abnormal splicing in the set of samples tested (Ambry internal data). Based on the majority of available evidence to date, this variant is likely to be pathogenic.

Literature cited by the submitters: PubMed 37438524.

NM_000051.4(ATM):c.6348-986G>T

Genes: ATM (ATM serine/threonine kinase; plus strand), C11orf65 (chromosome 11 open reading frame 65; minus strand). Cytogenetic location: 11q22.3.
Variant type: single nucleotide variant.
Coding change: c.6348-986G>T on transcript NM_000051.4 (MANE Select); 986 bases into the intron before coding-DNA position 6348, G replaced by T.
Molecular consequence: intron variant.
Genome position (GRCh38, 1-based): chr11:108,318,968, G>T. VCF-style: chr11-108318968-G-T. GRCh37 (hg19) VCF-style: chr11-108189695-G-T.
Other names: c.6348-986G>T (NM_001351834.2); c.641-9897C>A (NM_001330368.2); c.*39-9897C>A (NM_001351110.2).
Identifiers: ClinVar variation 3802702 (VCV003802702.1).